The following is an entry in ClinVar:

ClinVar aggregate classification (germline): Uncertain significance. Review status: criteria provided, multiple submitters, no conflicts (2 of 4 stars). 2 submissions from 2 submitters: Uncertain significance (2). Last evaluated 2023-06-14.

Conditions:
RYR1-related disorder. Also called: RYR1-related disorders; RYR1-related condition. Identifiers: MedGen CN239331.
Malignant hyperthermia, susceptibility to, 1 (MHS1). Also called: Malignant hyperthermia suceptibility 1; Anesthesia related hyperthermia; Malignant hyperpyrexia; Fulminating hyperpyrexia; Pharmacogenic myopathy; RYR1-Related Malignant Hyperthermia Susceptibility. Identifiers: Orphanet 423, MedGen C2930980, MONDO:0007783, OMIM 145600.

Allele frequency attached by ClinVar (database versions not stated): TOPMed 0.00001.

Submissions (2):

Labcorp Genetics (formerly Invitae), Labcorp
Classification: Uncertain significance for RYR1-related disorder. Last evaluated: 2023-06-14. Review status: criteria provided, single submitter. Criteria: Invitae Variant Classification Sherloc (09022015). Collection method: clinical testing. Allele origin: germline.
Comment: This sequence change replaces asparagine, which is neutral and polar, with lysine, which is basic and polar, at codon 4148 of the RYR1 protein (p.Asn4148Lys). This variant is not present in population databases (gnomAD no frequency). This variant has not been reported in the literature in individuals affected with RYR1-related conditions. Advanced modeling of protein sequence and biophysical properties (such as structural, functional, and spatial information, amino acid conservation, physicochemical variation, residue mobility, and thermodynamic stability) performed at Invitae indicates that this missense variant is expected to disrupt RYR1 protein function. In summary, the available evidence is currently insufficient to determine the role of this variant in disease. Therefore, it has been classified as a Variant of Uncertain Significance.

All of Us Research Program, National Institutes of Health
Classification: Uncertain significance for Malignant hyperthermia, susceptibility to, 1. Last evaluated: 2023-02-24. Review status: criteria provided, single submitter. Criteria: ACMG Guidelines, 2015. Collection method: clinical testing. Allele origin: germline. Inheritance: Autosomal dominant inheritance. Observed: 1 variant allele, 1 heterozygote.
Comment: This missense variant replaces asparagine with lysine at codon 4148 of the RYR1 protein. Computational prediction suggests that this variant may have deleterious impact on protein structure and function (internally defined REVEL score threshold >= 0.7, PMID: 27666373). To our knowledge, functional studies have not been reported for this variant. This variant has not been reported in individuals affected with RYR1-related disorders in the literature. This variant has not been identified in the general population by the Genome Aggregation Database (gnomAD). The available evidence is insufficient to determine the role of this variant in disease conclusively. Therefore, this variant is classified as a Variant of Uncertain Significance.

This study involves interpretation of variants in research participants for the purpose of population health screening. Participant phenotype was not available at the time of variant classification. Additional details can be found in publication PMID: 35346344, PMCID: PMC8962531

NM_000540.3(RYR1):c.12444C>A (p.Asn4148Lys)

Gene: RYR1 (ryanodine receptor 1; plus strand). Cytogenetic location: 19q13.2.
Variant type: single nucleotide variant.
Coding change: c.12444C>A on transcript NM_000540.3 (MANE Select); coding-DNA position 12444, C replaced by A.
Protein change: p.Asn4148Lys; replaces asparagine 4148 with lysine.
Molecular consequence: missense variant.
Genome position (GRCh38, 1-based): chr19:38,561,274, C>A. VCF-style: chr19-38561274-C-A. GRCh37 (hg19) VCF-style: chr19-39051914-C-A.
Other names: c.12429C>A, p.Asn4143Lys (NM_001042723.2); short protein forms N4148K, N4143K.
Identifiers: ClinVar variation 2918480 (VCV002918480.4), dbSNP rs1355765692, ClinGen allele CA405668942.
Genomic context (GRCh38, chr19:38,561,274, plus strand): 5'-CAACCGCTTCCAGGAGCCAGCACGCGACATCGGCTTCAACGTGGCGGTGCTGCTGACCAA[C>A]CTGTCGGAGCATGTGCCGCATGACCCTCGCCTGCACAACTTCCTGGAGCTGGCCGAGAGC-3'
Protein context (NP_000531.2, residues 4138-4158): IGFNVAVLLT[Asn4148Lys]LSEHVPHDPR